The following is an entry in ClinVar:

ClinVar aggregate classification (germline): Benign (1 of 4 stars; one submission).

Allele frequency attached by ClinVar (database versions not stated): 1000 Genomes Project 0.34165; 1000 Genomes Project 30x 0.35853; gnomAD 0.36967 and 0.38478; TOPMed 0.39426.
gnomAD v4.1: 56,046 of 152,108 alleles (37%); highest among the groups gnomAD compares: African/African-American, 71%; 13,982 homozygotes.

Submission:

GeneDx
Classification: Benign. Last evaluated: 2018-06-16. Review status: criteria provided, single submitter. Criteria: GeneDx Variant Classification (06012015). Collection method: clinical testing. Allele origin: germline. Affected: yes.
Comment: This variant is considered likely benign or benign based on one or more of the following criteria: it is a conservative change, it occurs at a poorly conserved position in the protein, it is predicted to be benign by multiple in silico algorithms, and/or has population frequency not consistent with disease.

NM_001378454.1(ALMS1):c.12298+183C>T

Genes: ALMS1 (ALMS1 centrosome and basal body associated protein; plus strand), LOC126806252 (BRD4-independent group 4 enhancer GRCh37_chr2:73828496-73829695; plus strand). Cytogenetic location: 2p13.1.
Variant type: single nucleotide variant.
Coding change: c.12298+183C>T on transcript NM_001378454.1 (MANE Select); 183 bases into the intron after coding-DNA position 12298, C replaced by T.
Molecular consequence: intron variant.
Genome position (GRCh38, 1-based): chr2:73,602,551, C>T. VCF-style: chr2-73602551-C-T. GRCh37 (hg19) VCF-style: chr2-73829678-C-T.
Other names: c.12298+183C>T (NM_015120.4); c.12301+183C>T (NM_015120.4).
Identifiers: ClinVar variation 677830 (VCV000677830.1), dbSNP rs7576245, ClinGen allele CA11301501.